The following is an entry in ClinVar:

ClinVar aggregate classification (germline): Uncertain significance. Review status: criteria provided, multiple submitters, no conflicts (2 of 4 stars). 2 submissions from 2 submitters: Uncertain significance (2). Last evaluated 2023-11-24.

Conditions:
CTNNB1-related disorder. Also called: CTNNB1-related condition.

Submissions (2):

Labcorp Genetics (formerly Invitae), Labcorp
Classification: Uncertain significance. Last evaluated: 2023-11-24. Review status: criteria provided, single submitter. Criteria: Invitae Variant Classification Sherloc (09022015). Collection method: clinical testing. Allele origin: germline.
Comment: This sequence change replaces glutamine, which is neutral and polar, with arginine, which is basic and polar, at codon 322 of the CTNNB1 protein (p.Gln322Arg). This variant is not present in population databases (gnomAD no frequency). This variant has not been reported in the literature in individuals affected with CTNNB1-related conditions. Advanced modeling of protein sequence and biophysical properties (such as structural, functional, and spatial information, amino acid conservation, physicochemical variation, residue mobility, and thermodynamic stability) performed at Invitae indicates that this missense variant is not expected to disrupt CTNNB1 protein function with a negative predictive value of 80%. In summary, the available evidence is currently insufficient to determine the role of this variant in disease. Therefore, it has been classified as a Variant of Uncertain Significance.

PreventionGenetics, part of Exact Sciences
Classification: Uncertain significance for CTNNB1-related condition. Last evaluated: 2023-06-05. Review status: criteria provided, single submitter. Criteria: ACMG Guidelines, 2015. Collection method: clinical testing. Allele origin: germline.
Comment: The CTNNB1 c.965A>G variant is predicted to result in the amino acid substitution p.Gln322Arg. To our knowledge, this variant has not been reported in the literature or in a large population database, indicating this variant is rare. At this time, the clinical significance of this variant is uncertain due to the absence of conclusive functional and genetic evidence.

NM_001904.4(CTNNB1):c.965A>G (p.Gln322Arg)

Gene: CTNNB1 (catenin beta 1; plus strand). Cytogenetic location: 3p22.1.
Variant type: single nucleotide variant.
Coding change: c.965A>G on transcript NM_001904.4 (MANE Select); coding-DNA position 965, A replaced by G.
Protein change: p.Gln322Arg; replaces glutamine 322 with arginine.
Molecular consequence: missense variant.
Genome position (GRCh38, 1-based): chr3:41,227,236, A>G. VCF-style: chr3-41227236-A-G. GRCh37 (hg19) VCF-style: chr3-41268727-A-G.
Other names: c.965A>G, p.Gln322Arg (NM_001098209.2, NM_001098210.2); c.944A>G, p.Gln315Arg (NM_001330729.2); short protein forms Q315R, Q322R.
Identifiers: ClinVar variation 2632305 (VCV002632305.4), dbSNP rs1575320087, ClinGen allele CA352231405.
Genomic context (GRCh38, chr3:41,227,236, plus strand): 5'-GACTAACAAGATATATATATATATCTTTCTAGCTCATCATACTGGCTAGTGGTGGACCCC[A>G]AGCTTTAGTAAATATAATGAGGACCTATACTTACGAAAAACTACTGTGGACCACAAGCAG-3'
Protein context (NP_001895.1, residues 312-332): KLIILASGGP[Gln322Arg]ALVNIMRTYT